The following is an entry in ClinVar:

NM_000944.5(PPP3CA):c.928A>G (p.Asn310Asp)

Gene: PPP3CA (protein phosphatase 3 catalytic subunit alpha; minus strand). Cytogenetic location: 4q24.
Variant type: single nucleotide variant.
Coding change: c.928A>G on transcript NM_000944.5 (MANE Select); coding-DNA position 928, A replaced by G.
Protein change: p.Asn310Asp; replaces asparagine 310 with aspartic acid.
Molecular consequence: missense variant.
Genome position (GRCh38, 1-based): chr4:101,080,559, T>C on the plus strand (A>G on the coding strand, the complement: PPP3CA is on the minus strand). VCF-style: chr4-101080559-T-C. GRCh37 (hg19) VCF-style: chr4-102001716-T-C.
Other names: c.928A>G, p.Asn310Asp (NM_001130691.2, NM_001130692.2); short protein forms N310D.
Identifiers: ClinVar variation 2849982 (VCV002849982.3), dbSNP rs1578427507, ClinGen allele CA357949548.

ClinVar aggregate classification (germline): Uncertain significance (1 of 4 stars; one submission).

Allele frequency attached by ClinVar (database versions not stated): gnomAD exomes below 0.00001.

Submission:

Labcorp Genetics (formerly Invitae), Labcorp
Classification: Uncertain significance. Last evaluated: 2023-03-27. Review status: criteria provided, single submitter. Criteria: Invitae Variant Classification Sherloc (09022015). Collection method: clinical testing. Allele origin: germline.
Comment: In summary, the available evidence is currently insufficient to determine the role of this variant in disease. Therefore, it has been classified as a Variant of Uncertain Significance. Advanced modeling of protein sequence and biophysical properties (such as structural, functional, and spatial information, amino acid conservation, physicochemical variation, residue mobility, and thermodynamic stability) has been performed at Invitae for this missense variant, however the output from this modeling did not meet the statistical confidence thresholds required to predict the impact of this variant on PPP3CA protein function. This variant has not been reported in the literature in individuals affected with PPP3CA-related conditions. This variant is not present in population databases (gnomAD no frequency). This sequence change replaces asparagine, which is neutral and polar, with aspartic acid, which is acidic and polar, at codon 310 of the PPP3CA protein (p.Asn310Asp).